The following is an entry in ClinVar:

ClinVar aggregate classification (germline): Pathogenic (1 of 4 stars; one submission).

Conditions:
Familial adenomatous polyposis 4 (FAP4). Also called: MSH3-related attenuated familial adenomatous polyposis. Identifiers: Orphanet 480536, MedGen C4310719, MONDO:0044300, OMIM 617100.

Submission:

Myriad Genetics, Inc.
Classification: Pathogenic for Familial adenomatous polyposis 4. Last evaluated: 2023-08-29. Review status: criteria provided, single submitter. Criteria: Myriad Autosomal Dominant, Autosomal Recessive and X-Linked Classification Criteria (2023). Collection method: clinical testing. Allele origin: unknown.
Comment: This variant is considered pathogenic. This variant creates a frameshift predicted to result in premature protein truncation.

NM_002439.5(MSH3):c.854dup (p.Pro286fs)

Gene: MSH3 (mutS homolog 3; plus strand). Cytogenetic location: 5q14.1.
Variant type: Duplication.
Coding change: c.854dup on transcript NM_002439.5 (MANE Select); coding-DNA position 854, one base duplicated (T; older notation c.854dupT).
Protein change: p.Pro286fs; shifts the reading frame from proline 286.
Molecular consequence: frameshift variant.
Genome position (GRCh38, 1-based): chr5:80,672,305, T duplicated. VCF-style (leftmost placement, unchanged base first): chr5-80672304-A-AT. GRCh37 (hg19) VCF-style: chr5-79968123-A-AT.
Other names: short protein forms P286fs.
Identifiers: ClinVar variation 2673539 (VCV002673539.1), dbSNP rs2546722418, ClinGen allele CA2695198648.
Genomic context (GRCh38, chr5:80,672,304, plus strand): 5'-ATTGCAGCCCGAGAGCTCAATATTTATTGCCATTTAGATCACAACTTTATGACAGCAAGT[A>AT]TACCTACTCACAGACTGTTTGTTCATGTACGCCGCCTGGTGGCAAAAGGATATAAGGTCA-3'